The following is an entry in ClinVar:

ClinVar aggregate classification (germline): Pathogenic (1 of 4 stars; one submission).

Conditions:
Hypohidrotic X-linked ectodermal dysplasia (XHED). Also called: Anhidrotic ectodermal dysplasia X-linked; Christ Siemens Touraine syndrome; ECTODERMAL DYSPLASIA 1, HYPOHIDROTIC, X-LINKED; ECTODERMAL DYSPLASIA 1, HYPOHIDROTIC/HAIR/TOOTH TYPE, X-LINKED; ECTODERMAL DYSPLASIA, HYPOHIDROTIC, 1; CST SYNDROME. Identifiers: Orphanet 181, Orphanet 238468, MedGen C0162359, MONDO:0010585, OMIM 305100.

Submission:

Laboratory for Molecular Medicine, Mass General Brigham Personalized Medicine
Classification: Pathogenic for Hypohidrotic X-linked ectodermal dysplasia. Last evaluated: 2015-03-03. Review status: criteria provided, single submitter. Criteria: LMM Criteria. Collection method: clinical testing. Allele origin: germline. Inheritance: X-linked inheritance. Observed: 2 variant alleles.
Comment: In addition, several variants affecting the same amino acid position (p.Arg156His, p.Arg156Cys, p.Arg156Gly, p.Arg156Ser) have been identifi ed in multiple individuals with X-linked hypohidrotic ectodermal dysplasia and s egregated with disease in those families, suggesting that the arginine (Arg) res idue at position 156 is intolerant to variation (Monreal 1998, Aoki 2000, Schnei der 2001, Vincent 2001, Schneider 2011, Zhao 2008, Cluzeau 2011, Clauss 2010, Li 2013, He 2013, Dietz 2013). In vitro functional studies provide evidence that a change affecting this amino acid position disrupts the normal processing and fu nction of the EDA protein (Chen 2001), consistent with a causal role for variant s identified at this position. In summary, this variant meets our criteria to be classified as pathogenic for X-linked hypohidrotic ectodermal dysplasia based upon the presence of this vari ant as well as other variants affecting the same position in several affected in dividuals, and the functional evidence.

Literature cited by the submitters: PubMed 20236127; PubMed 20979233; PubMed 9683615; PubMed 11279189; PubMed 21357618; PubMed 11378824; PubMed 18076698; PubMed 24312213; PubMed 23553579; PubMed 23744313; PubMed 10951256; PubMed 11416205.

NM_001399.5(EDA):c.467G>T (p.Arg156Leu)

Gene: EDA (ectodysplasin A; plus strand). Cytogenetic location: Xq13.1.
Variant type: single nucleotide variant.
Coding change: c.467G>T on transcript NM_001399.5 (MANE Select); coding-DNA position 467, G replaced by T.
Protein change: p.Arg156Leu; replaces arginine 156 with leucine.
Molecular consequence: missense variant.
Genome position (GRCh38, 1-based): chrX:69,957,097, G>T. VCF-style: chrX-69957097-G-T. GRCh37 (hg19) VCF-style: chrX-69176947-G-T.
Other names: c.467G>T, p.Arg156Leu (NM_001005609.2, NM_001005612.3); short protein forms R156L.
Identifiers: ClinVar variation 44194 (VCV000044194.4), dbSNP rs132630314, ClinGen allele CA261491.